The following is an entry in ClinVar:

ClinVar aggregate classification (germline): Uncertain significance (1 of 4 stars; one submission).

gnomAD v4.1: 1 of 1,613,810 alleles (0.000062%); highest among the groups gnomAD compares: East Asian, 0.0022%; no homozygotes.

Submission:

GeneDx
Classification: Uncertain significance. Last evaluated: 2023-06-05. Review status: criteria provided, single submitter. Criteria: GeneDx Variant Classification Process June 2021. Collection method: clinical testing. Allele origin: germline. Affected: yes.
Comment: Not observed at significant frequency in large population cohorts (gnomAD); In silico analysis supports that this missense variant has a deleterious effect on protein structure/function; Has not been previously published as pathogenic or benign to our knowledge

NM_001797.4(CDH11):c.722T>C (p.Met241Thr)

Gene: CDH11 (cadherin 11; minus strand). Cytogenetic location: 16q21.
Variant type: single nucleotide variant.
Coding change: c.722T>C on transcript NM_001797.4 (MANE Select); coding-DNA position 722, T replaced by C.
Protein change: p.Met241Thr; replaces methionine 241 with threonine.
Molecular consequence: missense variant.
Genome position (GRCh38, 1-based): chr16:64,991,857, A>G on the plus strand (T>C on the coding strand, the complement: CDH11 is on the minus strand). VCF-style: chr16-64991857-A-G. GRCh37 (hg19) VCF-style: chr16-65025760-A-G.
Other names: c.722T>C, p.Met241Thr (NM_001308392.2); c.344T>C, p.Met115Thr (NM_001330576.2); short protein forms M115T, M241T.
Identifiers: ClinVar variation 3359446 (VCV003359446.1).
Genomic context (GRCh38, chr16:64,991,857, plus strand): 5'-ACATCGGTCAGTGTGATCGTCACTTTGGTTGTCCCTGAGAGTCCGCCCATATGTCCACCC[A>G]TGTCCTTGGCCTGGATCACCACGTGGTACTCCTCCTTGGCCTCCCTGTCCATGTTGGGTA-3'
Protein context (NP_001788.2, residues 231-251): EYHVVIQAKD[Met241Thr]GGHMGGLSGT